The following is an entry in ClinVar:

NM_005591.4(MRE11):c.941T>C (p.Leu314Pro)

Gene: MRE11 (MRE11 double strand break repair nuclease; minus strand). Cytogenetic location: 11q21.
Variant type: single nucleotide variant.
Coding change: c.941T>C on transcript NM_005591.4 (MANE Select); coding-DNA position 941, T replaced by C.
Protein change: p.Leu314Pro; replaces leucine 314 with proline.
Molecular consequence: missense variant.
Genome position (GRCh38, 1-based): chr11:94,470,547, A>G on the plus strand (T>C on the coding strand, the complement: MRE11 is on the minus strand). VCF-style: chr11-94470547-A-G. GRCh37 (hg19) VCF-style: chr11-94203713-A-G.
Other names: c.941T>C, p.Leu314Pro (NM_001330347.2, NM_005590.4); short protein forms L314P.
Identifiers: ClinVar variation 481769 (VCV000481769.5), dbSNP rs1555012702, ClinGen allele CA382374386.
Genomic context (GRCh38, chr11:94,470,547, plus strand): 5'-CTTTGTATGGCTTGGGTTACTTTAGGATTATCTGGGTTAAAAATGTCTGGATGATTAGCT[A>G]GAACAATATCCTCCATGAAAAACTGCCGCACTGTGTGAAGAGGAATTTTATGCATATTCA-3'
Protein context (NP_005582.1, residues 304-324): VRQFFMEDIV[Leu314Pro]ANHPDIFNPD

ClinVar aggregate classification (germline): Uncertain significance (1 of 4 stars; one submission).

Conditions:
Hereditary cancer-predisposing syndrome. Also called: Neoplastic Syndromes, Hereditary; Tumor predisposition; Hereditary Cancer Syndrome; Hereditary neoplastic syndrome. Identifiers: Orphanet 140162, MedGen C0027672, MeSH D009386, MONDO:0015356.

Submission:

Ambry Genetics
Classification: Uncertain significance for Hereditary cancer-predisposing syndrome. Last evaluated: 2016-10-25. Review status: criteria provided, single submitter. Criteria: Ambry Variant Classification Scheme 2023. Collection method: clinical testing. Allele origin: germline.
Comment: The p.L314P variant (also known as c.941T>C), located in coding exon 8 of the MRE11A gene, results from a T to C substitution at nucleotide position 941. The leucine at codon 314 is replaced by proline, an amino acid with similar properties. This variant was not reported in population based cohorts in the following databases: Database of Single Nucleotide Polymorphisms (dbSNP), NHLBI Exome Sequencing Project (ESP), and 1000 Genomes Project. In the ESP, this variant was not observed in 6498 samples (12996 alleles) with coverage at this position. To date, this alteration has been detected with an allele frequency of approximately 0.001% (greater than 175000 alleles tested) in our clinical cohort. This amino acid position is highly conserved in available vertebrate species. In addition, this alteration is predicted to be deleterious by in silico analysis. Since supporting evidence is limited at this time, the clinical significance of this alteration remains unclear.